The following is an entry in ClinVar:

ClinVar aggregate classification (germline): Likely benign. Review status: criteria provided, multiple submitters, no conflicts (2 of 4 stars). 2 submissions from 2 submitters: Likely benign (2). Last evaluated 2023-12-05.

Conditions:
RYR1-related disorder. Also called: RYR1-related condition; RYR1-related disorders. Identifiers: MedGen CN239331.
Malignant hyperthermia, susceptibility to, 1 (MHS1). Also called: RYR1-Related Malignant Hyperthermia Susceptibility; Malignant hyperthermia suceptibility 1; Anesthesia related hyperthermia; Malignant hyperpyrexia; Fulminating hyperpyrexia; Pharmacogenic myopathy. Identifiers: Orphanet 423, MedGen C2930980, MONDO:0007783, OMIM 145600.

Allele frequency attached by ClinVar (database versions not stated): gnomAD 0.00001.
gnomAD v4.1: 14 of 1,606,278 alleles (0.00087%); highest among the groups gnomAD compares: Middle Eastern, 0.016%; no homozygotes.

Submissions (2):

Labcorp Genetics (formerly Invitae), Labcorp
Classification: Likely benign for RYR1-related disorder. Last evaluated: 2023-12-05. Review status: criteria provided, single submitter. Criteria: Invitae Variant Classification Sherloc (09022015). Collection method: clinical testing. Allele origin: germline.

All of Us Research Program, National Institutes of Health
Classification: Likely benign for Malignant hyperthermia, susceptibility to, 1. Last evaluated: 2023-10-02. Review status: criteria provided, single submitter. Criteria: ACMG Guidelines, 2015. Collection method: clinical testing. Allele origin: germline. Inheritance: Autosomal dominant inheritance. Observed: 2 variant alleles, 2 heterozygotes.
Comment: This study involves interpretation of variants in research participants for the purpose of population health screening. Participant phenotype was not available at the time of variant classification. Additional details can be found in publication PMID: 35346344, PMCID: PMC8962531

NM_000540.3(RYR1):c.2871-4G>A

Gene: RYR1 (ryanodine receptor 1; plus strand). Cytogenetic location: 19q13.2.
Variant type: single nucleotide variant.
Coding change: c.2871-4G>A on transcript NM_000540.3 (MANE Select); 4 bases into the intron before coding-DNA position 2871, G replaced by A.
Molecular consequence: intron variant.
Genome position (GRCh38, 1-based): chr19:38,466,087, G>A. VCF-style: chr19-38466087-G-A. GRCh37 (hg19) VCF-style: chr19-38956727-G-A.
Other names: c.2871-4G>A (NM_001042723.2).
Identifiers: ClinVar variation 1135793 (VCV001135793.10), dbSNP rs762932739, ClinGen allele CA633066029.